The following is an entry in ClinVar:

NM_005918.4(MDH2):c.504C>T (p.Gly168=)

Gene: MDH2 (malate dehydrogenase 2; plus strand). Cytogenetic location: 7q11.23.
Variant type: single nucleotide variant.
Coding change: c.504C>T on transcript NM_005918.4 (MANE Select); coding-DNA position 504, C replaced by T.
Protein change: p.Gly168=; no amino-acid change (glycine 168 retained).
Molecular consequence: synonymous variant. On other transcripts: intron variant (1).
Genome position (GRCh38, 1-based): chr7:76,060,447, C>T. VCF-style: chr7-76060447-C-T. GRCh37 (hg19) VCF-style: chr7-75689765-C-T.
Other names: c.183C>T, p.Gly61= (NM_001282404.2); c.429+2369C>T (NM_001282403.2).
Identifiers: ClinVar variation 723806 (VCV000723806.37), dbSNP rs201575534, ClinGen allele CA4305562.

ClinVar aggregate classification (germline): Likely benign. Review status: criteria provided, multiple submitters, no conflicts (2 of 4 stars). 5 submissions from 5 submitters: Likely benign (4). 1 of the submissions does not count toward it. Last evaluated 2025-12-29.

Conditions:
MDH2-related disorder. Also called: MDH2-related condition.
Inborn genetic diseases. Identifiers: MedGen C0950123, MeSH D030342.

Allele frequency attached by ClinVar (database versions not stated): TOPMed 0.00012; gnomAD 0.00015; ExAC 0.00016; gnomAD exomes 0.00017 and 0.00021.
gnomAD v4.1: 330 of 1,614,096 alleles (0.02%); highest among the groups gnomAD compares: Non-Finnish European, 0.026%; no homozygotes.

Submissions (6):

Labcorp Genetics (formerly Invitae), Labcorp
Classification: Likely benign. Last evaluated: 2025-12-29. Review status: criteria provided, single submitter. Criteria: Invitae Variant Classification Sherloc (09022015). Collection method: clinical testing. Allele origin: germline.

CeGaT Center for Human Genetics Tuebingen
Classification: Likely benign. Last evaluated: 2025-03-01. Review status: criteria provided, single submitter. Criteria: CeGaT Center For Human Genetics Tuebingen Variant Classification Criteria Version 2. Collection method: clinical testing. Allele origin: germline. Affected: yes. Observed: 2 variant alleles.
Comment: MDH2: BP4, BP7

Blueprint Genetics
Classification: Likely benign. Last evaluated: 2024-11-21. Review status: criteria provided, single submitter. Criteria: ACMG Guidelines, 2015. Collection method: clinical testing. Allele origin: germline.

Ambry Genetics
Classification: Likely benign for Inborn genetic diseases. Last evaluated: 2022-02-17. Review status: criteria provided, single submitter. Criteria: Ambry Variant Classification Scheme 2023. Collection method: clinical testing. Allele origin: germline.

PreventionGenetics, part of Exact Sciences
Classification: Likely benign for MDH2-related condition. Last evaluated: 2024-05-01. Review status: no assertion criteria provided. Collection method: clinical testing. Allele origin: germline. Not counted in ClinVar's aggregate classification.
Comment: This variant is classified as likely benign based on ACMG/AMP sequence variant interpretation guidelines (Richards et al. 2015 PMID: 25741868, with internal and published modifications).

Dr. Peter K. Rogan Lab, Western University
No classification provided (evidence only). Condition: Hepatocellular carcinoma. Review status: no classification provided. Collection method: in vitro. Allele origin: not applicable. Functional consequence: retained intron. Not counted in ClinVar's aggregate classification.